The following is an entry in ClinVar:

NM_001080467.3(MYO5B):c.4703G>A (p.Gly1568Asp)

Genes: MYO5B (myosin VB; minus strand), SNHG22 (small nucleolar RNA host gene 22; plus strand). Cytogenetic location: 18q21.1.
Variant type: single nucleotide variant.
Coding change: c.4703G>A on transcript NM_001080467.3 (MANE Select); coding-DNA position 4703, G replaced by A.
Protein change: p.Gly1568Asp; replaces glycine 1568 with aspartic acid.
Molecular consequence: missense variant. On other transcripts: non-coding transcript variant (1).
Genome position (GRCh38, 1-based): chr18:49,839,293, C>T on the plus strand (G>A on the coding strand, the complement: MYO5B is on the minus strand). VCF-style: chr18-49839293-C-T. GRCh37 (hg19) VCF-style: chr18-47365663-C-T.
Other names: short protein forms G1568D.
Identifiers: ClinVar variation 327006 (VCV000327006.11), dbSNP rs199737949, ClinGen allele CA8960237.

ClinVar aggregate classification (germline): Uncertain significance. Review status: criteria provided, multiple submitters, no conflicts (2 of 4 stars). 4 submissions from 4 submitters: Uncertain significance (3). 1 of the submissions does not count toward it. Last evaluated 2024-11-14.

Conditions:
Inborn genetic diseases. Identifiers: MedGen C0950123, MeSH D030342.
MYO5B-related disorder. Also called: MYO5B-related condition.
Congenital microvillous atrophy (DIAR2). Also called: DAVIDSON DISEASE; MICROVILLUS ATROPHY, CONGENITAL; Microvillus inclusion disease; Diarrhea 2 with microvillus atrophy, with or without cholestasis; CONGENITAL FAMILIAL PROTRACTED DIARRHEA WITH ENTEROCYTE BRUSH-BORDER ABNORMALITIES. Identifiers: Orphanet 2290, MedGen C0341306, MONDO:0009635, OMIM 251850.

Allele frequency attached by ClinVar (database versions not stated): gnomAD 0.00003; TOPMed 0.00005; ESP Exome Variant Server 0.00008.
gnomAD v4.1: 100 of 1,613,440 alleles (0.0062%); highest among the groups gnomAD compares: Middle Eastern, 0.016%; no homozygotes.

Submissions (4):

Ambry Genetics
Classification: Uncertain significance for Inborn genetic diseases. Last evaluated: 2024-11-14. Review status: criteria provided, single submitter. Criteria: Ambry Variant Classification Scheme 2023. Collection method: clinical testing. Allele origin: germline.

Labcorp Genetics (formerly Invitae), Labcorp
Classification: Uncertain significance. Last evaluated: 2021-09-24. Review status: criteria provided, single submitter. Criteria: Invitae Variant Classification Sherloc (09022015). Collection method: clinical testing. Allele origin: germline.
Comment: This sequence change replaces glycine with aspartic acid at codon 1568 of the MYO5B protein (p.Gly1568Asp). The glycine residue is moderately conserved and there is a moderate physicochemical difference between glycine and aspartic acid. This variant is present in population databases (rs199737949, ExAC 0.008%). This variant has not been reported in the literature in individuals with MYO5B-related conditions. ClinVar contains an entry for this variant (Variation ID: 327006). Algorithms developed to predict the effect of missense changes on protein structure and function are either unavailable or do not agree on the potential impact of this missense change (SIFT: "Deleterious"; PolyPhen-2: "Possibly Damaging"; Align-GVGD: "Class C0"). In summary, the available evidence is currently insufficient to determine the role of this variant in disease. Therefore, it has been classified as a Variant of Uncertain Significance.

Illumina Laboratory Services, Illumina
Classification: Uncertain significance for Congenital microvillous atrophy. Last evaluated: 2018-01-12. Review status: criteria provided, single submitter. Criteria: ICSL Variant Classification Criteria 13 December 2019. Collection method: clinical testing. Allele origin: germline.

PreventionGenetics, part of Exact Sciences
Classification: Uncertain significance for MYO5B-related condition. Last evaluated: 2024-07-25. Review status: no assertion criteria provided. Collection method: clinical testing. Allele origin: germline. Not counted in ClinVar's aggregate classification.
Comment: The MYO5B c.4703G>A variant is predicted to result in the amino acid substitution p.Gly1568Asp. To our knowledge, this variant has not been reported in the literature. This variant is reported in 0.0086% of alleles in individuals of European (Non-Finnish) descent in gnomAD. At this time, the clinical significance of this variant is uncertain due to the absence of conclusive functional and genetic evidence.